The following is an entry in ClinVar:

ClinVar aggregate classification (germline): Uncertain significance (1 of 4 stars; one submission).

Conditions:
Nemaline myopathy 2 (NEM2). Also called: Nemaline myopathy 2, autosomal recessive. Identifiers: MedGen C1850569, MONDO:0009725, OMIM 256030.

Submission:

Labcorp Genetics (formerly Invitae), Labcorp
Classification: Uncertain significance for Nemaline myopathy 2. Last evaluated: 2022-08-19. Review status: criteria provided, single submitter. Criteria: Invitae Variant Classification Sherloc (09022015). Collection method: clinical testing. Allele origin: germline.
Comment: In summary, the available evidence is currently insufficient to determine the role of this variant in disease. Therefore, it has been classified as a Variant of Uncertain Significance. Algorithms developed to predict the effect of sequence changes on RNA splicing suggest that this variant may create or strengthen a splice site. Algorithms developed to predict the effect of missense changes on protein structure and function are either unavailable or do not agree on the potential impact of this missense change (SIFT: "Deleterious"; PolyPhen-2: "Not Available"; Align-GVGD: "Class C0"). This variant has not been reported in the literature in individuals affected with NEB-related conditions. This variant is not present in population databases (gnomAD no frequency). This sequence change replaces tyrosine, which is neutral and polar, with histidine, which is basic and polar, at codon 7673 of the NEB protein (p.Tyr7673His).

NM_001164508.2(NEB):c.22912T>C (p.Tyr7638His)

Genes: NEB (nebulin; minus strand), RIF1 (replication timing regulatory factor 1; plus strand). Cytogenetic location: 2q23.3.
Variant type: single nucleotide variant.
Coding change: c.22912T>C on transcript NM_001164508.2 (MANE Select); coding-DNA position 22912, T replaced by C.
Protein change: p.Tyr7638His; replaces tyrosine 7638 with histidine.
Molecular consequence: missense variant.
Genome position (GRCh38, 1-based): chr2:151,514,922, A>G on the plus strand (T>C on the coding strand, the complement: NEB is on the minus strand). VCF-style: chr2-151514922-A-G. GRCh37 (hg19) VCF-style: chr2-152371436-A-G.
Other names: c.22912T>C, p.Tyr7638His (NM_001164507.2); c.23017T>C, p.Tyr7673His (NM_001271208.2); c.17809T>C, p.Tyr5937His (NM_004543.5); short protein forms Y5937H, Y7673H, Y7638H.
Identifiers: ClinVar variation 1985704 (VCV001985704.4), dbSNP rs2552081298, ClinGen allele CA348754873.